The following is an entry in ClinVar:

NM_024580.6(EFL1):c.1450G>A (p.Glu484Lys)

Gene: EFL1 (elongation factor like GTPase 1; minus strand). Cytogenetic location: 15q25.2.
Variant type: single nucleotide variant.
Coding change: c.1450G>A on transcript NM_024580.6 (MANE Select); coding-DNA position 1450, G replaced by A.
Protein change: p.Glu484Lys; replaces glutamic acid 484 with lysine.
Molecular consequence: missense variant. On other transcripts: non-coding transcript variant (1).
Genome position (GRCh38, 1-based): chr15:82,219,813, C>T on the plus strand (G>A on the coding strand, the complement: EFL1 is on the minus strand). VCF-style: chr15-82219813-C-T. GRCh37 (hg19) VCF-style: chr15-82512154-C-T.
Other names: c.1297G>A, p.Glu433Lys (NM_001040610.3); c.661G>A, p.Glu221Lys (NM_001322844.2); c.1450G>A, p.Glu484Lys (NM_001322845.2); short protein forms E221K, E433K, E484K.
Identifiers: ClinVar variation 4870195 (VCV004870195.1).

ClinVar aggregate classification (germline): Uncertain significance (1 of 4 stars; one submission).

Conditions:
Inborn genetic diseases. Identifiers: MedGen C0950123, MeSH D030342.

gnomAD v4.1: 23 of 1,600,528 alleles (0.0014%); highest among the groups gnomAD compares: Admixed American, 0.0054%; no homozygotes.

Submission:

Ambry Genetics
Classification: Uncertain significance for Inborn genetic diseases. Last evaluated: 2026-04-01. Review status: criteria provided, single submitter. Criteria: Ambry Variant Classification Scheme 2023. Collection method: clinical testing. Allele origin: germline.
Comment: The c.1450G>A (p.E484K) alteration is located in exon 14 (coding exon 13) of the EFL1 gene. This alteration results from a G to A substitution at nucleotide position 1450, causing the glutamic acid (E) at amino acid position 484 to be replaced by a lysine (K). Based on data from gnomAD, the A allele has an overall frequency of 0.001% (2/266034) total alleles studied. The highest observed frequency was 0.005% (1/18646) of East Asian alleles. Based on insufficient or conflicting evidence, the clinical significance of this alteration remains unclear.